The following is an entry in ClinVar:

ClinVar aggregate classification (germline): Pathogenic (1 of 4 stars; one submission).

Conditions:
Cardiovascular phenotype. Identifiers: MedGen CN230736.
Hereditary cancer-predisposing syndrome. Also called: Neoplastic Syndromes, Hereditary; Tumor predisposition; Hereditary Cancer Syndrome; Hereditary neoplastic syndrome. Identifiers: Orphanet 140162, MedGen C0027672, MeSH D009386, MONDO:0015356.

Submission:

Ambry Genetics
Classification: Pathogenic for Cardiovascular phenotype; Hereditary cancer-predisposing syndrome. Last evaluated: 2025-12-04. Review status: criteria provided, single submitter. Criteria: Ambry Variant Classification Scheme 2023. Collection method: clinical testing. Allele origin: germline.
Comment: The c.1016delA pathogenic mutation, located in coding exon 10 of the LZTR1 gene, results from a deletion of one nucleotide at nucleotide position 1016, causing a translational frameshift with a predicted alternate stop codon (p.E339Gfs*12). This variant is considered to be rare based on population cohorts in the Genome Aggregation Database (gnomAD). This alteration is expected to result in loss of function by premature protein truncation or nonsense-mediated mRNA decay. Loss-of-function variants in LZTR1 are related to an increased risk for schwannomas and autosomal recessive Noonan syndrome; however, such associations with autosomal dominant Noonan syndrome have not been observed (Piotrowski A et al. Nat Genet. 2014 Feb;46:182-7; Yamamoto GL et al. J Med Genet. 2015 Jun;52:413-21; Johnston JJ et al. Genet Med. 2018 10;20:1175-1185). Based on the supporting evidence, this variant is pathogenic for an increased risk of LZTR1-related schwannomatosis (SWN) and would be expected to cause autosomal recessive Noonan syndrome when present along with a second pathogenic or likely pathogenic variant on the other allele; however, the association of this alteration with autosomal dominant Noonan syndrome is unlikely.

NM_006767.4(LZTR1):c.1016del (p.Glu339fs)

Gene: LZTR1 (leucine zipper like post translational regulator 1; plus strand). Cytogenetic location: 22q11.21.
Variant type: Deletion.
Coding change: c.1016del on transcript NM_006767.4 (MANE Select); coding-DNA position 1016, one base deleted (A; older notation c.1016delA).
Protein change: p.Glu339fs; shifts the reading frame from glutamic acid 339.
Molecular consequence: frameshift variant.
Genome position (GRCh38, 1-based): chr22:20,992,236, A deleted. VCF-style (leftmost placement, unchanged base first): chr22-20992235-GA-G. GRCh37 (hg19) VCF-style: chr22-21346524-GA-G.
Other names: short protein forms E339fs.
Identifiers: ClinVar variation 4615595 (VCV004615595.1).
Genomic context (GRCh38, chr22:20,992,235, plus strand): 5'-TGCCAACTGGTCTCATGCCCATGTGTCTCCCCTCTTCAGGTTGGTGGGGCTGAAGTGCCC[GA>G]GCGAGCCTGTGCTTCCGAGGAGGTGCCCACCCTGACCTATGAGGAGCGGGTTGGCTTCAA-3'